The following is an entry in ClinVar:

NC_000010.11:g.18539231del

Gene: CACNB2 (calcium voltage-gated channel auxiliary subunit beta 2; plus strand). Cytogenetic location: 10p12.31.
Variant type: Deletion.
Genome position: GRCh38 VCF-style: chr10-18539228-AG-A. GRCh37 (hg19) VCF-style: chr10-18828157-AG-A.
Identifiers: ClinVar variation 949360 (VCV000949360.9), dbSNP rs2053907285, ClinGen allele CA1139661403.

ClinVar aggregate classification (germline): Uncertain significance (1 of 4 stars; one submission).

Conditions:
Brugada syndrome 4 (BRGDA4). Identifiers: Orphanet 130, MedGen C2678477, MONDO:0012743, OMIM 611876.

Submission:

Labcorp Genetics (formerly Invitae), Labcorp
Classification: Uncertain significance for Brugada syndrome 4. Last evaluated: 2022-11-01. Review status: criteria provided, single submitter. Criteria: Invitae Variant Classification Sherloc (09022015). Collection method: clinical testing. Allele origin: germline.
Comment: This variant has not been reported in the literature in individuals affected with CACNB2-related conditions. In summary, the available evidence is currently insufficient to determine the role of this variant in disease. Therefore, it has been classified as a Variant of Uncertain Significance. Algorithms developed to predict the effect of sequence changes on RNA splicing suggest that this variant may disrupt the consensus splice site. Experimental studies and prediction algorithms are not available or were not evaluated, and the functional significance of this variant is currently unknown. ClinVar contains an entry for this variant (Variation ID: 949360). This variant is not present in population databases (gnomAD no frequency). This sequence change creates a premature translational stop signal (p.Gly443Valfs*72) in the CACNB2 gene. While this is not anticipated to result in nonsense mediated decay, it is expected to disrupt the last 164 amino acid(s) of the CACNB2 protein.